The following is an entry in ClinVar:

ClinVar aggregate classification (germline): Conflicting classifications of pathogenicity. Review status: criteria provided, conflicting classifications (1 of 4 stars). 4 submissions from 4 submitters: Uncertain significance (3); Likely benign (1). Last evaluated 2024-11-28.

Conditions:
Hypogonadotropic hypogonadism 3 with or without anosmia (HH3). Also called: HYPOGONADOTROPIC HYPOGONADISM 3 WITH ANOSMIA; PROKR2-Related GnRH Deficiency (Kallmann Syndrome 3). Identifiers: Orphanet 478, MedGen C3550478, MONDO:0009482, OMIM 244200.

Allele frequency attached by ClinVar (database versions not stated): gnomAD 0.00001 and 0.00003; TOPMed 0.00003; gnomAD exomes 0.00009 and 0.00011; 1000 Genomes Project 30x 0.00016; ExAC 0.00017; 1000 Genomes Project 0.00020.
gnomAD v4.1: 149 of 1,614,218 alleles (0.0092%); highest among the groups gnomAD compares: East Asian, 0.24%; no homozygotes.

Submissions (4):

Blueprint Genetics
Classification: Uncertain significance. Last evaluated: 2024-11-28. Review status: criteria provided, single submitter. Criteria: ACMG Guidelines, 2015. Collection method: clinical testing. Allele origin: germline.

GeneDx
Classification: Uncertain significance. Last evaluated: 2024-08-22. Review status: criteria provided, single submitter. Criteria: GeneDx Variant Classification Process June 2021. Collection method: clinical testing. Allele origin: germline. Affected: yes.
Comment: In silico analysis supports that this missense variant has a deleterious effect on protein structure/function; This variant is associated with the following publications: (PMID: 36694982, 38272512, 33983622, 35669683)

Athena Diagnostics
Classification: Uncertain significance. Last evaluated: 2024-07-03. Review status: criteria provided, single submitter. Criteria: Athena Diagnostics Criteria. Collection method: clinical testing. Allele origin: unknown.
Comment: Available data are insufficient to determine the clinical significance of the variant at this time. The frequency of this variant in the general population is higher than would generally be expected for pathogenic variants in this gene. This variant has been seen where an alternate explanation for disease was also identified, suggesting this variant may not cause disease. Polyphen and MutationTaster yielded discordant predictions regarding whether this amino acid change is damaging to the protein.

Illumina Laboratory Services, Illumina
Classification: Likely benign for Hypogonadotropic hypogonadism 3 with or without anosmia. Last evaluated: 2018-01-12. Review status: criteria provided, single submitter. Criteria: ICSL Variant Classification Criteria 13 December 2019. Collection method: clinical testing. Allele origin: germline.
Comment: This variant was observed in the ICSL laboratory as part of a predisposition screen in an ostensibly healthy population. It had not been previously curated by ICSL or reported in the Human Gene Mutation Database (HGMD: prior to June 1st, 2018), and was therefore a candidate for classification through an automated scoring system. Utilizing variant allele frequency, disease prevalence and penetrance estimates, and inheritance mode, an automated score was calculated to assess if this variant is too frequent to cause the disease. Based on the score and internal cut-off values, a variant classified as likely benign is not then subjected to further curation. The score for this variant resulted in a classification of likely benign for this disease.

Literature cited by the submitters: PubMed 36694982 (cited by Athena Diagnostics); PubMed 33983622 (cited by Athena Diagnostics).

NM_144773.4(PROKR2):c.169G>T (p.Gly57Cys)

Gene: PROKR2 (prokineticin receptor 2; minus strand). Cytogenetic location: 20p12.3.
Variant type: single nucleotide variant.
Coding change: c.169G>T on transcript NM_144773.4 (MANE Select); coding-DNA position 169, G replaced by T.
Protein change: p.Gly57Cys; replaces glycine 57 with cysteine.
Molecular consequence: missense variant.
Genome position (GRCh38, 1-based): chr20:5,314,201, C>A on the plus strand (G>T on the coding strand, the complement: PROKR2 is on the minus strand). VCF-style: chr20-5314201-C-A. GRCh37 (hg19) VCF-style: chr20-5294847-C-A.
Other names: short protein forms G57C.
Identifiers: ClinVar variation 895748 (VCV000895748.7), dbSNP rs201283126, ClinGen allele CA9754418.
Genomic context (GRCh38, chr20:5,314,201, plus strand): 5'-CAGCGATAAAGACAAAGTTACCGATGCCGCAGACCAGCATGATGCCTGCCAGTGCAATGC[C>A]AATGACGATCTTGGCTGCGAAGAAGGTCCGGGTCTTGGTCATGTCCTCATCCTCATCCAT-3'
Protein context (NP_658986.1, residues 47-67): RTFFAAKIVI[Gly57Cys]IALAGIMLVC